The following is an entry in ClinVar:

ClinVar aggregate classification (germline): Uncertain significance (1 of 4 stars; one submission).

Conditions:
Epidermolysis bullosa simplex 5C, with pyloric atresia (EBS5C). Also called: PLEC-Related Epidermolysis Bullosa with Pyloric Atresia; Epidermolysis bullosa simplex with pyloric atresia; PLEC1-Related Epidermolysis Bullosa with Pyloric Atresia. Identifiers: Orphanet 158684, MedGen C2677349, MONDO:0012807, OMIM 612138.
Epidermolysis bullosa simplex 5B, with muscular dystrophy (EBS5B). Also called: Epidermolysis bullosa simplex with muscular dystrophy; EPIDERMOLYSIS BULLOSA SIMPLEX AND LIMB-GIRDLE MUSCULAR DYSTROPHY. Identifiers: Orphanet 257, MedGen C2931072, MONDO:0009181, OMIM 226670.
Epidermolysis bullosa simplex, Ogna type (EBS5A). Also called: Pidermolysis bullosa simplex 5A, Ogna type; EPIDERMOLYSIS BULLOSA SIMPLEX 5A, OGNA TYPE. Identifiers: Orphanet 79401, MedGen C0432317, MONDO:0007555, OMIM 131950.
Autosomal recessive limb-girdle muscular dystrophy type 2Q (LGMDR17). Also called: MUSCULAR DYSTROPHY, LIMB-GIRDLE, AUTOSOMAL RECESSIVE 17. Identifiers: Orphanet 254361, MedGen C3150989, MONDO:0013390, OMIM 613723.
Epidermolysis bullosa simplex with nail dystrophy (EBS5D). Identifiers: MedGen C4225309, MONDO:0014661, OMIM 616487.

Submission:

Labcorp Genetics (formerly Invitae), Labcorp
Classification: Uncertain significance for Autosomal recessive limb-girdle muscular dystrophy type 2Q; Epidermolysis bullosa simplex, Ogna type; Epidermolysis bullosa simplex with nail dystrophy; Epidermolysis bullosa simplex 5C, with pyloric atresia; Epidermolysis bullosa simplex 5B, with muscular dystrophy. Last evaluated: 2019-11-12. Review status: criteria provided, single submitter. Criteria: Invitae Variant Classification Sherloc (09022015). Collection method: clinical testing. Allele origin: germline.
Comment: In summary, the available evidence is currently insufficient to determine the role of this variant in disease. Therefore, it has been classified as a Variant of Uncertain Significance. Algorithms developed to predict the effect of missense changes on protein structure and function are either unavailable or do not agree on the potential impact of this missense change (SIFT: "Deleterious"; PolyPhen-2: "Not Available"; Align-GVGD: "Class C0"). This variant has not been reported in the literature in individuals with PLEC-related conditions. This variant is not present in population databases (ExAC no frequency). This sequence change replaces lysine with glutamine at codon 188 of the PLEC protein (p.Lys188Gln). The lysine residue is highly conserved and there is a small physicochemical difference between lysine and glutamine.

NM_201384.3(PLEC):c.481A>C (p.Lys161Gln)

Gene: PLEC (plectin; minus strand). Cytogenetic location: 8q24.3.
Variant type: single nucleotide variant.
Coding change: c.481A>C on transcript NM_201384.3 (MANE Select); coding-DNA position 481, A replaced by C.
Protein change: p.Lys161Gln; replaces lysine 161 with glutamine.
Molecular consequence: missense variant.
Genome position (GRCh38, 1-based): chr8:143,935,969, T>G on the plus strand (A>C on the coding strand, the complement: PLEC is on the minus strand). VCF-style: chr8-143935969-T-G. GRCh37 (hg19) VCF-style: chr8-145010137-T-G.
Other names: c.562A>C, p.Lys188Gln (NM_000445.5); c.439A>C, p.Lys147Gln (NM_201378.4); c.415A>C, p.Lys139Gln (NM_201379.3); c.892A>C, p.Lys298Gln (NM_201380.4); c.385A>C, p.Lys129Gln (NM_201381.3); c.481A>C, p.Lys161Gln (NM_201382.4); c.493A>C, p.Lys165Gln (NM_201383.3); short protein forms K147Q, K298Q, K139Q, K129Q, K161Q, K165Q, K188Q.
Identifiers: ClinVar variation 954454 (VCV000954454.7), dbSNP rs1828941970, ClinGen allele CA372589075.